The following is an entry in ClinVar:

NM_000091.5(COL4A3):c.469-2A>G

Genes: COL4A3 (collagen type IV alpha 3 chain; plus strand), MFF-DT (MFF divergent transcript; minus strand). Cytogenetic location: 2q36.3.
Variant type: single nucleotide variant.
Coding change: c.469-2A>G on transcript NM_000091.5 (MANE Select); the canonical splice acceptor site of the intron before coding-DNA position 469, A replaced by G.
Molecular consequence: splice acceptor variant.
Genome position (GRCh38, 1-based): chr2:227,248,441, A>G. VCF-style: chr2-227248441-A-G. GRCh37 (hg19) VCF-style: chr2-228113157-A-G.
Identifiers: ClinVar variation 1068157 (VCV001068157.8), dbSNP rs2125916202, ClinGen allele CA350863388.

ClinVar aggregate classification (germline): Likely pathogenic. Review status: criteria provided, multiple submitters, no conflicts (2 of 4 stars). 2 submissions from 2 submitters: Likely pathogenic (2). Last evaluated 2022-06-09.

Conditions:
COL4A3-related disorder. Also called: COL4A3-related condition; COL4A3-Related Disorders.

Allele frequency attached by ClinVar (database versions not stated): gnomAD exomes 0.00001.
gnomAD v4.1: 11 of 1,602,378 alleles (0.00069%); highest among the groups gnomAD compares: Non-Finnish European, 0.00094%; no homozygotes.

Submissions (2):

Blueprint Genetics
Classification: Likely pathogenic for COL4A3-related disorders. Last evaluated: 2022-06-09. Review status: criteria provided, single submitter. Criteria: ACMG Guidelines, 2015. Collection method: clinical testing. Allele origin: germline. Affected: yes. Observed: 3 variant alleles.

Labcorp Genetics (formerly Invitae), Labcorp
Classification: Likely pathogenic. Last evaluated: 2021-08-28. Review status: criteria provided, single submitter. Criteria: Invitae Variant Classification Sherloc (09022015). Collection method: clinical testing. Allele origin: germline.
Comment: Algorithms developed to predict the effect of sequence changes on RNA splicing suggest that this variant may disrupt the consensus splice site, but this prediction has not been confirmed by published transcriptional studies. In summary, the currently available evidence indicates that the variant is pathogenic, but additional data are needed to prove that conclusively. Therefore, this variant has been classified as Likely Pathogenic. Donor and acceptor splice site variants typically lead to a loss of protein function (PMID: 16199547), and loss-of-function variants in COL4A3 are known to be pathogenic (PMID: 8956999, 24854265, 26809805, 27281700). This variant has not been reported in the literature in individuals with COL4A3-related conditions. This variant is not present in population databases (ExAC no frequency). This sequence change affects an acceptor splice site in intron 8 of the COL4A3 gene. It is expected to disrupt RNA splicing and likely results in an absent or disrupted protein product.

Literature cited by the submitters: PubMed 16199547 (cited by Labcorp Genetics (formerly Invitae), Labcorp); PubMed 8956999 (cited by Labcorp Genetics (formerly Invitae), Labcorp); PubMed 24854265 (cited by Labcorp Genetics (formerly Invitae), Labcorp); PubMed 26809805 (cited by Labcorp Genetics (formerly Invitae), Labcorp); PubMed 27281700 (cited by Labcorp Genetics (formerly Invitae), Labcorp).